The following is an entry in ClinVar:

NM_006642.5(SDCCAG8):c.682C>T (p.Leu228=)

Gene: SDCCAG8 (SHH signaling and ciliogenesis regulator SDCCAG8; plus strand). Cytogenetic location: 1q43.
Variant type: single nucleotide variant.
Coding change: c.682C>T on transcript NM_006642.5 (MANE Select); coding-DNA position 682, C replaced by T.
Protein change: p.Leu228=; no amino-acid change (leucine 228 retained).
Molecular consequence: synonymous variant. On other transcripts: 5 prime UTR variant (3).
Genome position (GRCh38, 1-based): chr1:243,304,719, C>T. VCF-style: chr1-243304719-C-T. GRCh37 (hg19) VCF-style: chr1-243468021-C-T.
Other names: c.-431C>T (NM_001350246.2); c.-319C>T (NM_001350247.2); c.778C>T, p.Leu260= (NM_001350248.2); c.388C>T, p.Leu130= (NM_001350249.2); c.-596C>T (NM_001350251.2).
Identifiers: ClinVar variation 5000182 (VCV005000182.1).

ClinVar aggregate classification (germline): Likely benign (1 of 4 stars; one submission).

Conditions:
SDCCAG8-related disorder. Also called: SDCCAG8-related condition; SDCCAG8-Related Disorders.

gnomAD v4.1: 1 of 1,565,062 alleles (0.000064%); highest among the groups gnomAD compares: Non-Finnish European, 0.000088%; no homozygotes.

Submission:

PreventionGenetics, part of Exact Sciences
Classification: Likely benign for SDCCAG8-related condition. Last evaluated: 2024-10-22. Review status: criteria provided, single submitter. Criteria: ACMG Guidelines, 2015. Collection method: clinical testing. Allele origin: germline.
Comment: This variant is classified as likely benign based on ACMG/AMP sequence variant interpretation guidelines (Richards et al. 2015 PMID: 25741868, with internal and published modifications).